The following is an entry in ClinVar:

ClinVar aggregate classification (germline): Likely benign. Review status: reviewed by expert panel (3 of 4 stars). 4 submissions from 4 submitters: Likely benign (1). 3 of the submissions do not count toward it. Last evaluated 2017-06-29.

Conditions:
Hereditary cancer-predisposing syndrome. Also called: Tumor predisposition; Hereditary Cancer Syndrome; Hereditary neoplastic syndrome; Neoplastic Syndromes, Hereditary. Identifiers: Orphanet 140162, MedGen C0027672, MeSH D009386, MONDO:0015356.
Hereditary breast ovarian cancer syndrome. Also called: Hereditary breast and ovarian cancer; Breast and ovarian cancer; BRCA1- and BRCA2-Associated Hereditary Breast and Ovarian Cancer; Hereditary breast and ovarian cancer syndrome; Hereditary breast and ovarian cancer syndrome (HBOC); Hereditary breast and/or ovarian cancer syndrome. Identifiers: Orphanet 145, MedGen C0677776, MeSH D061325, MONDO:0003582. Disease mechanism: loss of function.
Breast-ovarian cancer, familial, susceptibility to, 2 (BROVCA2). Also called: BRCA2 Hereditary Breast and Ovarian Cancer. Identifiers: Orphanet 145, MedGen C2675520, MONDO:0012933, OMIM 612555. Disease mechanism: loss of function.

Submissions (4):

Evidence-based Network for the Interpretation of Germline Mutant Alleles (ENIGMA)
Classification: Likely benign for Breast-ovarian cancer, familial, susceptibility to, 2. Last evaluated: 2017-06-29. Review status: reviewed by expert panel. Criteria: ENIGMA BRCA1/2 Classification Criteria (2017-06-29). Collection method: curation. Allele origin: germline.
Comment: Synonymous substitution variant, with low bioinformatic likelihood to result in a splicing aberration (Splicing prior probability 0.02).

Labcorp Genetics (formerly Invitae), Labcorp
Classification: Likely benign for Hereditary breast ovarian cancer syndrome. Last evaluated: 2024-08-15. Review status: criteria provided, single submitter. Criteria: Invitae Variant Classification Sherloc (09022015). Collection method: clinical testing. Allele origin: germline. Not counted in ClinVar's aggregate classification.

GeneDx
Classification: Uncertain significance. Last evaluated: 2016-03-04. Review status: criteria provided, single submitter. Criteria: GeneDx Variant Classification (06012015). Collection method: clinical testing. Allele origin: germline. Affected: yes. Not counted in ClinVar's aggregate classification.
Comment: This variant is denoted BRCA2 c.6876A>G at the DNA level. This variant is silent at the coding level, preserving a Glutamic Acid at codon 2292. It is not predicted to cause abnormal splicing. This variant has not, to our knowledge, been published in the literature as pathogenic or benign. BRCA2 c.6876A>G was not observed in approximately 6,500 individuals of European and African American ancestry in the NHLBI Exome Sequencing Project, suggesting it is not a common benign variant in these populations. The nucleotide which is altered, an adenine (A) at base 6876, is conserved across species. Based on currently available information, it is unclear whether BRCA2 c.6876A>G is a pathogenic or benign variant. We consider it to be a variant of uncertain significance.

Ambry Genetics
Classification: Likely benign for Hereditary cancer-predisposing syndrome. Last evaluated: 2015-09-23. Review status: criteria provided, single submitter. Criteria: Ambry Variant Classification Scheme 2023. Collection method: clinical testing. Allele origin: germline. Not counted in ClinVar's aggregate classification.

NM_000059.4(BRCA2):c.6876A>G (p.Glu2292=)

Gene: BRCA2 (BRCA2 DNA repair associated; plus strand). Cytogenetic location: 13q13.1.
Variant type: single nucleotide variant.
Coding change: c.6876A>G on transcript NM_000059.4 (MANE Select); coding-DNA position 6876, A replaced by G.
Protein change: p.Glu2292=; no amino-acid change (glutamic acid 2292 retained).
Molecular consequence: synonymous variant.
Genome position (GRCh38, 1-based): chr13:32,344,592, A>G. VCF-style: chr13-32344592-A-G. GRCh37 (hg19) VCF-style: chr13-32918729-A-G.
Identifiers: ClinVar variation 234168 (VCV000234168.10), dbSNP rs876660897, ClinGen allele CA10577483.